The following is an entry in ClinVar:

NM_000051.4(ATM):c.3746+1G>T

Gene: ATM (ATM serine/threonine kinase; plus strand). Cytogenetic location: 11q22.3.
Variant type: single nucleotide variant.
Coding change: c.3746+1G>T on transcript NM_000051.4 (MANE Select); the canonical splice donor site of the intron after coding-DNA position 3746, G replaced by T.
Molecular consequence: splice donor variant.
Genome position (GRCh38, 1-based): chr11:108,282,880, G>T. VCF-style: chr11-108282880-G-T. GRCh37 (hg19) VCF-style: chr11-108153607-G-T.
Other names: c.3746+1G>T (NM_001351834.2).
Identifiers: ClinVar variation 840154 (VCV000840154.28), dbSNP rs2082309297, ClinGen allele CA382523924.

ClinVar aggregate classification (germline): Likely pathogenic. Review status: criteria provided, multiple submitters, no conflicts (2 of 4 stars). 6 submissions from 6 submitters: Likely pathogenic (5). 1 of the submissions does not count toward it. Last evaluated 2024-11-19.

Conditions:
Ataxia-telangiectasia syndrome (AT). Also called: Ataxia telangiectasia (A-T); LOUIS-BAR SYNDROME; Cerebello-oculocutaneous telangiectasia; Immunodeficiency with ataxia telangiectasia; Ataxia-telangiectasia, complementation group D; AT, COMPLEMENTATION GROUP C. Identifiers: Orphanet 100, MedGen C0004135, MONDO:0008840, OMIM 208900.
Gastric cancer. Also called: Stomach cancer; Malignant tumor of stomach. Identifiers: MedGen C0024623, MeSH D013274, MONDO:0001056, OMIM 613659, HP:0012126.
Hereditary cancer-predisposing syndrome. Also called: Neoplastic Syndromes, Hereditary; Tumor predisposition; Hereditary Cancer Syndrome; Hereditary neoplastic syndrome. Identifiers: Orphanet 140162, MedGen C0027672, MeSH D009386, MONDO:0015356.
Familial cancer of breast. Also called: hereditary breast carcinoma; BREAST CANCER, FAMILIAL; Hereditary breast cancer. Identifiers: Orphanet 227535, MedGen C0346153, MONDO:0016419, OMIM 114480. Disease mechanism: loss of function.

Submissions (6):

Labcorp Genetics (formerly Invitae), Labcorp
Classification: Likely pathogenic for Ataxia-telangiectasia syndrome. Last evaluated: 2024-11-19. Review status: criteria provided, single submitter. Criteria: Invitae Variant Classification Sherloc (09022015). Collection method: clinical testing. Allele origin: germline.
Comment: This sequence change affects a donor splice site in intron 25 of the ATM gene. It is expected to disrupt RNA splicing. Variants that disrupt the donor or acceptor splice site typically lead to a loss of protein function (PMID: 16199547), and loss-of-function variants in ATM are known to be pathogenic (PMID: 23807571, 25614872). This variant is not present in population databases (gnomAD no frequency). Disruption of this splice site has been observed in individual(s) with clinical features of ataxia-telangiectasia (PMID: 21665257). ClinVar contains an entry for this variant (Variation ID: 840154). Algorithms developed to predict the effect of sequence changes on RNA splicing suggest that this variant may disrupt the consensus splice site. In summary, the currently available evidence indicates that the variant is pathogenic, but additional data are needed to prove that conclusively. Therefore, this variant has been classified as Likely Pathogenic.

Natera, Inc.
Classification: Likely pathogenic for Ataxia-telangiectasia. Last evaluated: 2024-09-05. Review status: criteria provided, single submitter. Criteria: Natera Variant Classification Schema (03/2026). Collection method: clinical testing. Allele origin: germline.
Comment: The c.3746+1G>T variant in ATM is a canonical splice donor site variant predicted to affect pre-mRNA splicing, which may result in an abnormal transcript and altered protein product. This variant is expected to result in nonsense mediated decay, truncation, or a dysfunctional protein product. This variant is rare in the general population with a frequency below the threshold expected for the associated phenotype(s). Given the available evidence, this variant is classified as Likely Pathogenic.

Myriad Genetics, Inc.
Classification: Likely pathogenic for Familial cancer of breast. Last evaluated: 2024-01-22. Review status: criteria provided, single submitter. Criteria: Myriad Autosomal Dominant, Autosomal Recessive and X-Linked Classification Criteria (2023). Collection method: clinical testing. Allele origin: unknown.
Comment: This variant is considered likely pathogenic. This variant occurs within a consensus splice junction and is predicted to result in abnormal mRNA splicing of either an out-of-frame exon or an in-frame exon necessary for protein stability and/or normal function.

Ambry Genetics
Classification: Likely pathogenic for Hereditary cancer-predisposing syndrome. Last evaluated: 2023-05-16. Review status: criteria provided, single submitter. Criteria: Ambry Variant Classification Scheme 2023. Collection method: clinical testing. Allele origin: germline.
Comment: The c.3746+1G>T intronic variant results from a G to T substitution one nucleotide after coding exon 24 of the ATM gene. This variant was reported in 1/60,466 breast cancer cases and in 0/53,461 controls (Dorling et al. N Engl J Med 2021 02;384:428-439). This variant is considered to be rare based on population cohorts in the Genome Aggregation Database (gnomAD). This nucleotide position is highly conserved in available vertebrate species. In silico splice site analysis predicts that this alteration will weaken the native splice donor site. Alterations that disrupt the canonical splice site are expected to cause aberrant splicing, resulting in an abnormal protein or a transcript that is subject to nonsense-mediated mRNA decay. As such, this alteration is classified as likely pathogenic.

GeneDx
Classification: Likely pathogenic. Last evaluated: 2023-02-21. Review status: criteria provided, single submitter. Criteria: GeneDx Variant Classification Process June 2021. Collection method: clinical testing. Allele origin: germline. Affected: yes.
Comment: Canonical splice site variant predicted to result in a null allele in a gene for which loss of function is a known mechanism of disease; Not observed at significant frequency in large population cohorts (gnomAD); Has not been previously published as pathogenic or benign to our knowledge

Laboratory for Genotyping Development, RIKEN
Classification: Pathogenic for Gastric cancer. Last evaluated: 2021-07-01. Review status: no assertion criteria provided. Collection method: research. Allele origin: germline. Not counted in ClinVar's aggregate classification.

Literature cited by the submitters: PubMed 16199547 (cited by Labcorp Genetics (formerly Invitae), Labcorp); PubMed 23807571 (cited by Labcorp Genetics (formerly Invitae), Labcorp); PubMed 25614872 (cited by Labcorp Genetics (formerly Invitae), Labcorp); PubMed 21665257 (cited by Labcorp Genetics (formerly Invitae), Labcorp); PubMed 33471991 (cited by Ambry Genetics); PubMed 36988593 (cited by Laboratory for Genotyping Development, RIKEN).